The following is an entry in ClinVar:

NC_000007.14:g.19166813_19172086del

Variant type: Deletion.
Genome position: GRCh38: chr7:19,166,813-19,172,086. GRCh37 (hg19): chr7:19,206,436-19,211,709.
Identifiers: ClinVar variation 157043 (VCV000157043.3), ClinGen allele CA212176.

ClinVar aggregate classification (germline): not provided. Review status: no classification provided (0 of 4 stars). 2 submissions from 1 submitter: not provided (2).

Conditions:
Preeclampsia. Identifiers: Orphanet 275555, MedGen C0032914, MONDO:0005081, HP:0100602.
Gestational diabetes mellitus uncontrolled. Identifiers: MedGen C3532257.

Submissions (2):

Institute of Molecular and Cell Biology, University of Tartu
No classification provided. Condition: Preeclampsia. Review status: no classification provided. Collection method: case-control. Allele origin: unknown. Affected: yes. Study: Kasak2014.
Comment: The study aimed to determine the contribution of copy number variants in the genetic etiology of normal and complicated pregnancies. The samples represented (i) maternal blood DNA drawn from healthy pregnant women during 1st or 2nd trimester and (ii) maternal and paternal blood DNA drawn at term pregnancy cases representing normal and complicated gestations (severe preeclampsia, PE; gestational diabetes, GD; small-for-gestational age newborn, SGA; large-for-gestational age newborn, LGA). We performed CNV calling based on genome-wide genotyping dataset (Illumina HumanOmniExpress-24-v1 BeadChip) by applying three algorithms, QuantiSNP, GADA (Genome Alteration Detection Algorithm) and CNstream in parallel. The acquired CNV calls were merged with HD-CNV (Hotspot Detector for Copy Number Variants) program and only the CNVs predicted by at least two programs, were considered in subsequent analysis.

Institute of Molecular and Cell Biology, University of Tartu
No classification provided. Condition: Gestational diabetes mellitus uncontrolled. Review status: no classification provided. Collection method: case-control. Allele origin: unknown. Affected: yes. Study: Kasak2014.
Comment: the same text as in the submission from Institute of Molecular and Cell Biology, University of Tartu above.

Literature cited by the submitters: PubMed 25666259.